The following is an entry in ClinVar:

ClinVar aggregate classification (germline): Pathogenic. Review status: reviewed by expert panel (3 of 4 stars). 8 submissions from 8 submitters: Pathogenic (1). 7 of the submissions do not count toward it. Last evaluated 2025-02-25.

Conditions:
Autosomal recessive limb-girdle muscular dystrophy. Identifiers: Orphanet 102015, MedGen C2931907, MONDO:0015152.
DYSF-related disorder. Also called: DYSF-related condition; DYSF-related disorders.
Neuromuscular disease caused by qualitative or quantitative defects of dysferlin. Also called: Dysferlinopathy; Qualitative or quantitative defects of dysferlin. Identifiers: Orphanet 207073, MedGen C2931687, MONDO:0016145.

Submissions (8):

ClinGen Limb Girdle Muscular Dystrophy Variant Curation Expert Panel, ClinGen
Classification: Pathogenic for Autosomal recessive limb-girdle muscular dystrophy. Last evaluated: 2025-02-25. Review status: reviewed by expert panel. Criteria: ClinGen LGMD VCEP ACMG Specifications DYSF V1.0.0. Collection method: curation. Allele origin: germline. Inheritance: Autosomal recessive inheritance.
Comment: The NM_003494.4: c.1668_1669insGTT p.(Leu556_Leu557insVal) variant in DYSF, which is also known as NM_001130987.2: c.1722_1723insGTT (p.Leu574_Leu575insVal), is predicted to cause a change in the length of the protein due to an in-frame insertion of one amino acid in a non-repeat region (PM4). This variant has been observed in trans with a likely pathogenic or pathogenic variant in at least two individuals with LGMD (c.5181del p.(Glu1727AspfsTer7), 1.0 pt, PMID: 36983702; c.1053+5G>A, 1.0 pt, ClinVar SCV000710095.1 internal data communication) (PM3_Strong). At least one patient with this variant displayed progressive limb girdle muscle weakness and severely reduced or absent dysferlin protein expression, which is highly specific for DYSF-associated LGMD (PMID: 36983702, ClinVar SCV000710095.1 internal data communication; PP4_Strong). The filtering allele frequency of this variant is 0.00000824 (the upper threshold of the 95% CI of 4/1110874 European (non-Finnish) exome chromosomes) in gnomAD v4.1.0, which is less than the ClinGen LGMD VCEP threshold (≤0.0001) (PM2_Supporting). In summary, this variant meets the criteria to be classified as Pathogenic for autosomal recessive limb girdle muscular dystrophy based on the ACMG/AMP criteria applied, as specified by the ClinGen LGMD VCEP (LGMD VCEP specifications version 1.0.0; 02/25/2025): PM4, PM3_Strong, PP4_Strong, PM2_Supporting.

Revvity Omics, Revvity
Classification: Pathogenic. Last evaluated: 2025-06-06. Review status: criteria provided, single submitter. Criteria: ACMG Guidelines, 2015. Collection method: clinical testing. Allele origin: germline. Not counted in ClinVar's aggregate classification.

PreventionGenetics, part of Exact Sciences
Classification: Pathogenic for DYSF-related condition. Last evaluated: 2025-06-05. Review status: criteria provided, single submitter. Criteria: ACMG Guidelines, 2015. Collection method: clinical testing. Allele origin: germline. Not counted in ClinVar's aggregate classification.
Comment: The DYSF c.1668_1669insGTT variant is predicted to result in an in-frame amino acid insertion (p.Leu556_Leu557insVal). This variant has been reported in the compound heterozygous state in an individual with dysferlinopathy (Rufibach et al. 2023. PubMed ID: 36983702). This variant has been observed in the homozygous state or with a second DYSF variant at another CLIA-certified laboratory in individuals with clinical features consistent with DYSF-related disorders (personal communication with Invitae; ClinVar Variation ID: 503800). The ClinGen Limb Girdle Muscular Dystrophy Variant Curation Expert Panel has classified this variant as pathogenic. This variant is reported in 0.0024% of alleles in individuals of European (non-Finnish) descent in gnomAD. This variant is interpreted as pathogenic.

Women's Health and Genetics/Laboratory Corporation of America, LabCorp
Classification: Pathogenic for Autosomal recessive limb-girdle muscular dystrophy. Last evaluated: 2025-04-30. Review status: criteria provided, single submitter. Criteria: LabCorp Variant Classification Summary - May 2015. Collection method: clinical testing. Allele origin: germline. Not counted in ClinVar's aggregate classification.
Comment: Variant summary: DYSF c.1668_1669insGTT (p.Leu556_Leu557insVal) results in an in-frame insertion that is predicted to insert 1 amino acid into the encoded protein. The variant allele was found at a frequency of 4.2e-06 in 240810 control chromosomes. c.1668_1669insGTT has been observed in the homozygous or presumed/confirmed compound heterozygous state in multiple individual(s) affected with dysferlinopathies and/or clinical features of Limb-Girdle Muscular Dystrophy, Autosomal Recessive (example, Rufibach_2023, Labcorp Genetics (formerly Invitae)). These data indicate that the variant is likely to be associated with disease. At least one publication reports experimental evidence evaluating an impact on protein function. The most pronounced variant effect results in <10% dysferlin protein levels in patient monocytes compared with controls when this variant was observed in trans with a null allele (example, Rufibach_2023). The following publication has been ascertained in the context of this evaluation (PMID: 36983702). ClinVar contains an entry for this variant (Variation ID: 503800). Based on the evidence outlined above, the variant was classified as pathogenic.

Labcorp Genetics (formerly Invitae), Labcorp
Classification: Pathogenic for Neuromuscular disease caused by qualitative or quantitative defects of dysferlin. Last evaluated: 2024-05-13. Review status: criteria provided, single submitter. Criteria: Invitae Variant Classification Sherloc (09022015). Collection method: clinical testing. Allele origin: germline. Not counted in ClinVar's aggregate classification.
Comment: This variant, c.1668_1669insGTT, results in the insertion of 1 amino acid(s) of the DYSF protein (p.Leu556_Leu557insVal), but otherwise preserves the integrity of the reading frame. This variant is present in population databases (no rsID available, gnomAD 0.002%). This variant has been observed in individual(s) with clinical features of dysferlinopathy and/or limb-girdle muscular dystrophy (PMID: 36983702; Invitae). In at least one individual the data is consistent with being in trans (on the opposite chromosome) from a pathogenic variant. ClinVar contains an entry for this variant (Variation ID: 503800). For these reasons, this variant has been classified as Pathogenic.

Jain Foundation
Classification: Likely pathogenic for Dysferlinopathy. Last evaluated: 2023-03-13. Review status: criteria provided, single submitter. Criteria: Rufibach et al. (J Pers Med. 2023). Collection method: research. Allele origin: maternal. Inheritance: Autosomal recessive inheritance. Affected: yes. Observed: 1 compound heterozygote. Not counted in ClinVar's aggregate classification.
Comment: This variant is rare with an allele frequency of 0.0022%. This variant has been observed in an individual with clinical features of dysferlinopathy and disease range dysferlin protein expression (PMID: 36983702). In this individual as well as a case reported by Invitae in ClinVar, this variant has been reported to be in the heterozygous state in trans with a second pathogenic DYSF variant. The ACMG classification criteria applied are PM2 moderate, PM3 moderate, and PP4 moderate. Based on the above data, this variant has been classified as Likely Pathogenic.

GeneDx
Classification: Likely pathogenic. Last evaluated: 2018-09-20. Review status: criteria provided, single submitter. Criteria: GeneDx Variant Classification (06012015). Collection method: clinical testing. Allele origin: germline. Affected: yes. Not counted in ClinVar's aggregate classification.
Comment: The c.1668_1669insGTT variant in the DYSF gene has not been reported previously as a pathogenic variant, nor as a benign variant, to our knowledge. The c.1668_1669insGTT variant is not observed in large population cohorts (Lek et al., 2016). The c.1668_1669insGTT variant results in an in-frame insertion of a single Valine residue at codon 557, denoted p.Leu556_Leu557insVal. We interpret c.1668_1669insGTT as a likely pathogenic variant.

Eurofins Ntd Llc (ga)
Classification: Uncertain significance. Last evaluated: 2018-01-30. Review status: criteria provided, single submitter. Criteria: EGL Classification Definitions 2015. Collection method: clinical testing. Allele origin: germline. Observed: 2 variant alleles, 2 heterozygotes. Not counted in ClinVar's aggregate classification.

Literature cited by the submitters: PubMed 36983702 (cited by Women's Health and Genetics/Laboratory Corporation of America, LabCorp and Labcorp Genetics (formerly Invitae), Labcorp).

NM_001130987.2(DYSF):c.1722_1723insGTT (p.Leu574_Leu575insVal)

Gene: DYSF (dysferlin; plus strand). Cytogenetic location: 2p13.2.
Variant type: Insertion.
Coding change: c.1722_1723insGTT on transcript NM_001130987.2 (MANE Select); coding-DNA positions 1722 to 1723, GTT inserted.
Protein change: p.Leu574_Leu575insVal.
Molecular consequence: inframe insertion.
Genome position: GRCh38 VCF-style: chr2-71551634-C-CTTG. GRCh37 (hg19) VCF-style: chr2-71778764-C-CTTG.
Other names: NM_001130987.2(DYSF):c.1722_1723insGTT; p.Leu574_Leu575insVal; c.1719_1720insGTT, p.Leu573_Leu574insVal (NM_001130980.2, NM_001130981.2); c.1764_1765insGTT, p.Leu588_Leu589insVal (NM_001130982.2); c.1671_1672insGTT, p.Leu557_Leu558insVal (NM_001130983.2, NM_001130455.2); c.1629_1630insGTT, p.Leu543_Leu544insVal (NM_001130984.2, NM_001130986.2); c.1722_1723insGTT, p.Leu574_Leu575insVal (NM_001130985.2); c.1668_1669insGTT, p.Leu556_Leu557insVal (NM_003494.4, NM_001130978.2); and 2 more.
Identifiers: ClinVar variation 503800 (VCV000503800.27), dbSNP rs1446214240, ClinGen allele CA533258221.